The following is an entry in ClinVar:

NM_001735.3(C5):c.2113G>A (p.Val705Ile)

Gene: C5 (complement C5; minus strand). Cytogenetic location: 9q33.2.
Variant type: single nucleotide variant.
Coding change: c.2113G>A on transcript NM_001735.3 (MANE Select); coding-DNA position 2113, G replaced by A.
Protein change: p.Val705Ile; replaces valine 705 with isoleucine.
Molecular consequence: missense variant.
Genome position (GRCh38, 1-based): chr9:121,014,017, C>T on the plus strand (G>A on the coding strand, the complement: C5 is on the minus strand). VCF-style: chr9-121014017-C-T. GRCh37 (hg19) VCF-style: chr9-123776295-C-T.
Other names: c.2131G>A, p.Val711Ile (NM_001317163.2); c.2113G>A, p.Val705Ile (NM_001317164.2); short protein forms V711I, V705I.
Identifiers: ClinVar variation 1047622 (VCV001047622.8), dbSNP rs753562167, ClinGen allele CA199379286.

ClinVar aggregate classification (germline): Uncertain significance. Review status: criteria provided, multiple submitters, no conflicts (2 of 4 stars). 2 submissions from 2 submitters: Uncertain significance (2). Last evaluated 2023-09-23.

Allele frequency attached by ClinVar (database versions not stated): gnomAD exomes below 0.00001; TOPMed below 0.00001; gnomAD 0.00001.
gnomAD v4.1: 6 of 1,614,040 alleles (0.00037%); highest among the groups gnomAD compares: Admixed American, 0.0017%; no homozygotes.

Submissions (2):

Revvity Omics, Revvity
Classification: Uncertain significance. Last evaluated: 2023-09-23. Review status: criteria provided, single submitter. Criteria: ACMG Guidelines, 2015. Collection method: clinical testing. Allele origin: germline.

Labcorp Genetics (formerly Invitae), Labcorp
Classification: Uncertain significance. Last evaluated: 2022-07-19. Review status: criteria provided, single submitter. Criteria: Invitae Variant Classification Sherloc (09022015). Collection method: clinical testing. Allele origin: germline.
Comment: In summary, the available evidence is currently insufficient to determine the role of this variant in disease. Therefore, it has been classified as a Variant of Uncertain Significance. Algorithms developed to predict the effect of missense changes on protein structure and function output the following: SIFT: "Tolerated"; PolyPhen-2: "Benign"; Align-GVGD: "Class C0". The isoleucine amino acid residue is found in multiple mammalian species, which suggests that this missense change does not adversely affect protein function. ClinVar contains an entry for this variant (Variation ID: 1047622). This variant has not been reported in the literature in individuals affected with C5-related conditions. This variant is not present in population databases (gnomAD no frequency). This sequence change replaces valine, which is neutral and non-polar, with isoleucine, which is neutral and non-polar, at codon 705 of the C5 protein (p.Val705Ile).